The following is an entry in ClinVar:

ClinVar aggregate classification (germline): Pathogenic (1 of 4 stars; one submission).

Submission:

Labcorp Genetics (formerly Invitae), Labcorp
Classification: Pathogenic. Last evaluated: 2022-08-03. Review status: criteria provided, single submitter. Criteria: Invitae Variant Classification Sherloc (09022015). Collection method: clinical testing. Allele origin: germline.
Comment: For these reasons, this variant has been classified as Pathogenic. This variant has not been reported in the literature in individuals affected with ATR-related conditions. This variant is not present in population databases (gnomAD no frequency). This sequence change creates a premature translational stop signal (p.Arg1503*) in the ATR gene. It is expected to result in an absent or disrupted protein product. Loss-of-function variants in ATR are known to be pathogenic (PMID: 21228398, 23144622).

Literature cited by the submitters: PubMed 21228398; PubMed 23144622.

NM_001184.4(ATR):c.4507C>T (p.Arg1503Ter)

Gene: ATR (ATR checkpoint kinase; minus strand). Cytogenetic location: 3q23.
Variant type: single nucleotide variant.
Coding change: c.4507C>T on transcript NM_001184.4 (MANE Select); coding-DNA position 4507, C replaced by T.
Protein change: p.Arg1503Ter; replaces arginine 1503 with a stop codon.
Molecular consequence: nonsense.
Genome position (GRCh38, 1-based): chr3:142,513,635, G>A on the plus strand (C>T on the coding strand, the complement: ATR is on the minus strand). VCF-style: chr3-142513635-G-A. GRCh37 (hg19) VCF-style: chr3-142232477-G-A.
Other names: c.4315C>T, p.Arg1439Ter (NM_001354579.2); short protein forms R1503*, R1439*.
Identifiers: ClinVar variation 2044496 (VCV002044496.4), dbSNP rs754602382, ClinGen allele CA84719284.